The following is an entry in ClinVar:

NM_001164508.2(NEB):c.14759A>T (p.Asn4920Ile)

Gene: NEB (nebulin; minus strand). Cytogenetic location: 2q23.3.
Variant type: single nucleotide variant.
Coding change: c.14759A>T on transcript NM_001164508.2 (MANE Select); coding-DNA position 14759, A replaced by T.
Protein change: p.Asn4920Ile; replaces asparagine 4920 with isoleucine.
Molecular consequence: missense variant. On other transcripts: intron variant (1).
Genome position (GRCh38, 1-based): chr2:151,592,101, T>A on the plus strand (A>T on the coding strand, the complement: NEB is on the minus strand). VCF-style: chr2-151592101-T-A. GRCh37 (hg19) VCF-style: chr2-152448615-T-A.
Other names: c.14759A>T, p.Asn4920Ile (NM_001164507.2, NM_001271208.2); c.11602-15747A>T (NM_004543.5); short protein forms N4920I.
Identifiers: ClinVar variation 510921 (VCV000510921.2), dbSNP rs753968560, ClinGen allele CA1908485.

ClinVar aggregate classification (germline): Conflicting classifications of pathogenicity. Review status: criteria provided, conflicting classifications (1 of 4 stars). 2 submissions from 2 submitters: Uncertain significance (1); Likely benign (1). Last evaluated 2023-10-20.

Allele frequency attached by ClinVar (database versions not stated): gnomAD 0.00005 and 0.00006; ExAC 0.00005.

Submissions (2):

Revvity Omics, Revvity
Classification: Uncertain significance. Last evaluated: 2023-10-20. Review status: criteria provided, single submitter. Criteria: ACMG Guidelines, 2015. Collection method: clinical testing. Allele origin: germline.

GeneDx
Classification: Likely benign. Last evaluated: 2017-07-20. Review status: criteria provided, single submitter. Criteria: GeneDx Variant Classification (06012015). Collection method: clinical testing. Allele origin: germline. Affected: yes.
Comment: This variant is considered likely benign or benign based on one or more of the following criteria: it is a conservative change, it occurs at a poorly conserved position in the protein, it is predicted to be benign by multiple in silico algorithms, and/or has population frequency not consistent with disease.